The following is an entry in ClinVar:

ClinVar aggregate classification (germline): Pathogenic (1 of 4 stars; one submission).

Conditions:
Ataxia-telangiectasia syndrome (AT). Also called: LOUIS-BAR SYNDROME; Cerebello-oculocutaneous telangiectasia; Immunodeficiency with ataxia telangiectasia; AT, COMPLEMENTATION GROUP C; Ataxia-telangiectasia, complementation group D; ATAXIA-TELANGIECTASIA, COMPLEMENTATION GROUP A. Identifiers: Orphanet 100, MedGen C0004135, MONDO:0008840, OMIM 208900.

Submission:

Labcorp Genetics (formerly Invitae), Labcorp
Classification: Pathogenic for Ataxia-telangiectasia syndrome. Last evaluated: 2019-03-24. Review status: criteria provided, single submitter. Criteria: Invitae Variant Classification Sherloc (09022015). Collection method: clinical testing. Allele origin: unknown.
Comment: For these reasons, this variant has been classified as Pathogenic. This variant disrupts the C-terminus of the ATM protein. Other variant(s) that disrupt this region (p.Arg3047*) have been determined to be pathogenic (PMID:¬†8755918, 19691550, 18560558, 10980530, 26628246,¬†19431188). This suggests that variants that disrupt this region of the protein are likely to be causative of disease. This variant has not been reported in the literature in individuals with ATM-related conditions. This variant is a deletion of the genomic region encompassing exons 47-63 and part of exon 46 (c.6660_*45737del) of the ATM gene. While this is not anticipated to result in nonsense mediated decay, it likely alters RNA splicing and results in a disrupted protein product.

NC_000011.9:g.(?_108196125)_(108281972_?)del

Genes: ATM (ATM serine/threonine kinase; plus strand), C11orf65 (chromosome 11 open reading frame 65; minus strand). Cytogenetic location: 11q22.3.
Variant type: Deletion.
Identifiers: ClinVar variation 3244515 (VCV003244515.1).